The following is an entry in ClinVar:

ClinVar aggregate classification (germline): Uncertain significance (1 of 4 stars; one submission).

Conditions:
Severe myoclonic epilepsy in infancy (DRVT). Also called: SEVERE MYOCLONIC EPILEPSY OF INFANCY; DEVELOPMENTAL AND EPILEPTIC ENCEPHALOPATHY 6A; Severe Myoclonic Epilepsy in Infancy (SMEI); Dravet syndrome; Epileptic encephalopathy, early infantile, 6 (Dravet syndrome). Identifiers: Orphanet 33069, MedGen C0751122, MONDO:0100135, OMIM 607208.

Allele frequency attached by ClinVar (database versions not stated): gnomAD exomes 0.00001.

Submission:

Labcorp Genetics (formerly Invitae), Labcorp
Classification: Uncertain significance for Severe myoclonic epilepsy in infancy. Last evaluated: 2019-04-25. Review status: criteria provided, single submitter. Criteria: Invitae Variant Classification Sherloc (09022015). Collection method: clinical testing. Allele origin: germline.
Comment: This sequence change replaces glycine with arginine at codon 98 of the SNX27 protein (p.Gly98Arg). The glycine residue is moderately conserved and there is a moderate physicochemical difference between glycine and arginine. The frequency data for this variant in the population databases is considered unreliable, as metrics indicate insufficient coverage at this position in the ExAC database. This variant has not been reported in the literature in individuals with SNX27-related conditions. Algorithms developed to predict the effect of missense changes on protein structure and function are either unavailable or do not agree on the potential impact of this missense change (SIFT: "Deleterious"; PolyPhen-2: "Probably Damaging"; Align-GVGD: "Class C0"). In summary, the available evidence is currently insufficient to determine the role of this variant in disease. Therefore, it has been classified as a Variant of Uncertain Significance.

NM_001330723.2(SNX27):c.292G>A (p.Gly98Arg)

Gene: SNX27 (sorting nexin 27; plus strand). Cytogenetic location: 1q21.3.
Variant type: single nucleotide variant.
Coding change: c.292G>A on transcript NM_001330723.2 (MANE Select); coding-DNA position 292, G replaced by A.
Protein change: p.Gly98Arg; replaces glycine 98 with arginine.
Molecular consequence: missense variant.
Genome position (GRCh38, 1-based): chr1:151,612,493, G>A. VCF-style: chr1-151612493-G-A. GRCh37 (hg19) VCF-style: chr1-151584969-G-A.
Other names: c.292G>A, p.Gly98Arg (NM_030918.6); short protein forms G98R.
Identifiers: ClinVar variation 946263 (VCV000946263.8), dbSNP rs1667222276, ClinGen allele CA341974688.
Genomic context (GRCh38, chr1:151,612,493, plus strand): 5'-CTGCAGCATGTGAGCGCCGTGCTGCCCGGGGGGGCGGCCGATCGGGCCGGGGTGCGCAAG[G>A]GGGACCGCATCCTGGAGGTGTGAGTATCGGGGCTACCCGCCGCCCCATCCTCCCCGCGCC-3'
Protein context (NP_001317652.1, residues 88-108): GAADRAGVRK[Gly98Arg]DRILEVNHVN